The following is an entry in ClinVar:

ClinVar aggregate classification (germline): Conflicting classifications of pathogenicity. Review status: criteria provided, conflicting classifications (1 of 4 stars). 13 submissions from 13 submitters: Uncertain significance (8); Likely benign (4). 1 of the submissions does not count toward it. Last evaluated 2026-01-11.

Conditions:
Hereditary cancer-predisposing syndrome. Also called: Hereditary neoplastic syndrome; Neoplastic Syndromes, Hereditary; Tumor predisposition; Hereditary Cancer Syndrome. Identifiers: Orphanet 140162, MedGen C0027672, MeSH D009386, MONDO:0015356.
Pancreatic cancer, susceptibility to, 3. Identifiers: Orphanet 1333, MedGen C3150547, MONDO:0013236, OMIM 613348.
Breast-ovarian cancer, familial, susceptibility to, 5 (BROVCA5). Identifiers: MedGen C5830615, MONDO:0957530, OMIM 620442.
Fanconi anemia complementation group N. Also called: PALB2-Related Fanconi Anemia. Identifiers: Orphanet 84, MedGen C1835817, MONDO:0012565, OMIM 610832. Disease mechanism: loss of function.
Familial cancer of breast. Also called: Hereditary breast cancer; hereditary breast carcinoma; BREAST CANCER, FAMILIAL. Identifiers: Orphanet 227535, MedGen C0346153, MONDO:0016419, OMIM 114480. Disease mechanism: loss of function.

Allele frequency attached by ClinVar (database versions not stated): TOPMed 0.00002; ExAC 0.00003; gnomAD 0.00003 and 0.00005; gnomAD exomes 0.00004.
gnomAD v4.1: 28 of 1,613,960 alleles (0.0017%); highest among the groups gnomAD compares: East Asian, 0.029%; no homozygotes.

Submissions (13):

Labcorp Genetics (formerly Invitae), Labcorp
Classification: Uncertain significance for Familial cancer of breast. Last evaluated: 2026-01-11. Review status: criteria provided, single submitter. Criteria: Invitae Variant Classification Sherloc (09022015). Collection method: clinical testing. Allele origin: germline.
Comment: This sequence change replaces threonine, which is neutral and polar, with isoleucine, which is neutral and non-polar, at codon 1012 of the PALB2 protein (p.Thr1012Ile). This variant is present in population databases (rs761032954, gnomAD 0.07%). This missense change has been observed in individual(s) with a personal and/or family history of breast cancer (PMID: 25980754, 26489409, 28825143, 33811135). ClinVar contains an entry for this variant (Variation ID: 410122). Invitae Evidence Modeling of protein sequence and biophysical properties (such as structural, functional, and spatial information, amino acid conservation, physicochemical variation, residue mobility, and thermodynamic stability) indicates that this missense variant is expected to disrupt PALB2 protein function with a positive predictive value of 80%. Experimental studies have shown that this missense change does not substantially affect PALB2 function (PMID: 35853885). In summary, the available evidence is currently insufficient to determine the role of this variant in disease. Therefore, it has been classified as a Variant of Uncertain Significance.

Women's Health and Genetics/Laboratory Corporation of America, LabCorp
Classification: Likely benign. Last evaluated: 2025-10-17. Review status: criteria provided, single submitter. Criteria: LabCorp Variant Classification Summary - May 2015. Collection method: clinical testing. Allele origin: germline.
Comment: Variant summary: PALB2 c.3035C>T (p.Thr1012Ile) results in a non-conservative amino acid change in the encoded protein sequence. Algorithms developed to predict the effect of missense changes on protein structure and function are either unavailable or do not agree on the potential impact of this missense change. The variant allele was found at a frequency of 4.4e-05 in 251456 control chromosomes, predominantly at a frequency of 0.0006 within the East Asian subpopulation in the gnomAD database. The observed variant frequency within East Asian control individuals in the gnomAD database exceeds the estimated maximal expected allele frequency for disease-causing variants in PALB2. c.3035C>T has been observed in the presumed heterozygous state in multiple individual(s) affected with clinical features of Hereditary Breast And Ovarian Cancer Syndrome, colorectal cancer, and ovarian cancer without strong evidence for causality (example, Yang_2015, Ng_2022, Kwong_2020, Gonzalez_2022, Wu_2022, Li_2015, Zhang_2017, Hasmad_2016). These report(s) do not provide unequivocal conclusions about association of the variant with PALB2-related conditions. At least two publications report experimental evidence evaluating an impact on protein function. These results showed no damaging effect of this variant in multiple different in vitro assays (example, Ng_2022, Wu_2022). The following publications have been ascertained in the context of this evaluation (PMID: 26692951, 30638972, 40089605, 30541756, 33811135, 36256912, 34918118, 34926254, 32068069, 35610400, 35853885, 26489409, 28825143, 36627197, 26541979, 25980754). ClinVar contains an entry for this variant (Variation ID: 410122). Based on the evidence outlined above, the variant was classified as likely benign.

Quest Diagnostics Nichols Institute San Juan Capistrano
Classification: Uncertain significance. Last evaluated: 2025-07-08. Review status: criteria provided, single submitter. Criteria: Quest Diagnostics criteria. Collection method: clinical testing. Allele origin: unknown.
Comment: The PALB2 c.3035C>T (p.Thr1012Ile) variant has been reported in the published literature in individuals with breast cancer (PMIDs: 26489409 (2015), 28825143 (2017), 33811135 (2022)), an individual with ovarian cancer (PMID: 38509102 (2024)), in an individual with gastric cancer (PMID: 36627197 (2023)), and an undescribed Lynch syndrome associated cancer and/or polyps (PMID: 25980754 (2015)). This variant has also been reported in affected and reportedly unaffected individuals in a large-scale breast cancer association study (PMID: 33471991 (2021), see also LOVD). One functional study observed the variant to have only a modest reduction in homologous recombination DNA repair (PMID: 35853885 (2022)), however further research is needed. The frequency of this variant in the general population (Genome Aggregation Database) is higher than would generally be expected for pathogenic variants in this gene. Analysis of this variant using bioinformatics tools for the prediction of the effect of amino acid changes on protein structure and function yielded conflicting predictions that this variant is benign or damaging. Based on the available information, we are unable to determine the clinical significance of this variant.

Department of Pathology and Laboratory Medicine, Sinai Health System
Classification: Uncertain significance for Fanconi anemia complementation group N; Pancreatic cancer, susceptibility to, 3; Breast-ovarian cancer, familial, susceptibility to, 5. Last evaluated: 2024-12-23. Review status: criteria provided, single submitter. Criteria: ACMG Guidelines, 2015. Collection method: clinical testing. Allele origin: germline.

Molecular Pathology, Peter Maccallum Cancer Centre
Classification: Likely benign for Familial cancer of breast. Last evaluated: 2024-12-04. Review status: criteria provided, single submitter. Criteria: ACMG Guidelines, 2015. Collection method: clinical testing. Allele origin: germline. Inheritance: Autosomal dominant inheritance.

Fulgent Genetics
Classification: Uncertain significance for Fanconi anemia complementation group N; Pancreatic cancer, susceptibility to, 3; Breast-ovarian cancer, familial, susceptibility to, 5. Last evaluated: 2024-01-18. Review status: criteria provided, single submitter. Criteria: ACMG Guidelines, 2015. Collection method: clinical testing. Allele origin: germline.

Baylor Genetics
Classification: Uncertain significance for Familial cancer of breast. Last evaluated: 2023-11-21. Review status: criteria provided, single submitter. Criteria: ACMG Guidelines, 2015. Collection method: clinical testing. Allele origin: unknown.

Myriad Genetics, Inc.
Classification: Uncertain significance for Familial cancer of breast. Last evaluated: 2023-03-30. Review status: criteria provided, single submitter. Criteria: Myriad Autosomal Dominant, Autosomal Recessive and X-Linked Classification Criteria (2023). Collection method: clinical testing. Allele origin: unknown.
Comment: This variant is classified as a variant of uncertain significance as there is insufficient evidence to determine its impact on protein function and/or cancer risk.

Ambry Genetics
Classification: Likely benign for Hereditary cancer-predisposing syndrome. Last evaluated: 2021-07-06. Review status: criteria provided, single submitter. Criteria: Ambry Variant Classification Scheme 2023. Collection method: clinical testing. Allele origin: germline.

Color Diagnostics, LLC DBA Color Health
Classification: Likely benign for Hereditary cancer-predisposing syndrome. Last evaluated: 2021-06-15. Review status: criteria provided, single submitter. Criteria: ACMG Guidelines, 2015. Collection method: clinical testing. Allele origin: germline.

GeneDx
Classification: Uncertain significance. Last evaluated: 2020-03-10. Review status: criteria provided, single submitter. Criteria: GeneDx Variant Classification Process June 2021. Collection method: clinical testing. Allele origin: germline. Affected: yes.
Comment: In silico analysis supports that this missense variant has a deleterious effect on protein structure/function; Observed in individuals with breast and other cancers (Li 2015, Yurgelun 2015, Zhang 2017); This variant is associated with the following publications: (PMID: 26489409, 25980754, 28825143, 26692951)

Institute of Human Genetics, University of Leipzig Medical Center
Classification: Uncertain significance for Familial cancer of breast. Last evaluated: 2019-01-01. Review status: criteria provided, single submitter. Criteria: ACMG Guidelines, 2015. Collection method: clinical testing. Allele origin: unknown. Affected: yes.

Counsyl
Classification: Uncertain significance for Familial cancer of breast. Last evaluated: 2017-07-25. Review status: no assertion criteria provided. Collection method: clinical testing. Allele origin: unknown. Not counted in ClinVar's aggregate classification.

Literature cited by the submitters: PubMed 25980754 (cited by 4 submitters); PubMed 26489409 (cited by 6 submitters); PubMed 28825143 (cited by 3 submitters); PubMed 33811135 (cited by 4 submitters); PubMed 35853885 (cited by 4 submitters); PubMed 26692951 (cited by Women's Health and Genetics/Laboratory Corporation of America, LabCorp); PubMed 26541979 (cited by Women's Health and Genetics/Laboratory Corporation of America, LabCorp); PubMed 30541756 (cited by Women's Health and Genetics/Laboratory Corporation of America, LabCorp); PubMed 32068069 (cited by Women's Health and Genetics/Laboratory Corporation of America, LabCorp); PubMed 35610400 (cited by Women's Health and Genetics/Laboratory Corporation of America, LabCorp and Quest Diagnostics Nichols Institute San Juan Capistrano); PubMed 36627197 (cited by Women's Health and Genetics/Laboratory Corporation of America, LabCorp and Quest Diagnostics Nichols Institute San Juan Capistrano); PubMed 30638972 (cited by Women's Health and Genetics/Laboratory Corporation of America, LabCorp and Quest Diagnostics Nichols Institute San Juan Capistrano); PubMed 34926254 (cited by Women's Health and Genetics/Laboratory Corporation of America, LabCorp); PubMed 34918118 (cited by Women's Health and Genetics/Laboratory Corporation of America, LabCorp); PubMed 36256912 (cited by Women's Health and Genetics/Laboratory Corporation of America, LabCorp); PubMed 40089605 (cited by Women's Health and Genetics/Laboratory Corporation of America, LabCorp); PubMed 33471991 (cited by 3 submitters); PubMed 38509102 (cited by Quest Diagnostics Nichols Institute San Juan Capistrano).

NM_024675.4(PALB2):c.3035C>T (p.Thr1012Ile)

Gene: PALB2 (partner and localizer of BRCA2; minus strand). Cytogenetic location: 16p12.2.
Variant type: single nucleotide variant.
Coding change: c.3035C>T on transcript NM_024675.4 (MANE Select); coding-DNA position 3035, C replaced by T.
Protein change: p.Thr1012Ile; replaces threonine 1012 with isoleucine.
Molecular consequence: missense variant.
Genome position (GRCh38, 1-based): chr16:23,621,440, G>A on the plus strand (C>T on the coding strand, the complement: PALB2 is on the minus strand). VCF-style: chr16-23621440-G-A. GRCh37 (hg19) VCF-style: chr16-23632761-G-A.
Other names: short protein forms T1012I.
Identifiers: ClinVar variation 410122 (VCV000410122.32), dbSNP rs761032954, ClinGen allele CA7963444.